The following is an entry in ClinVar:

NM_016256.4(NAGPA):c.1266C>T (p.Ser422=)

Gene: NAGPA (N-acetylglucosamine-1-phosphodiester alpha-N-acetylglucosaminidase; minus strand). Cytogenetic location: 16p13.3.
Variant type: single nucleotide variant.
Coding change: c.1266C>T on transcript NM_016256.4 (MANE Select); coding-DNA position 1266, C replaced by T.
Protein change: p.Ser422=; no amino-acid change (serine 422 retained).
Molecular consequence: synonymous variant.
Genome position (GRCh38, 1-based): chr16:5,027,288, G>A on the plus strand (C>T on the coding strand, the complement: NAGPA is on the minus strand). VCF-style: chr16-5027288-G-A. GRCh37 (hg19) VCF-style: chr16-5077289-G-A.
Identifiers: ClinVar variation 3035626 (VCV003035626.2), dbSNP rs182496699, ClinGen allele CA7888472.

ClinVar aggregate classification (germline): Likely benign (0 of 4 stars; one submission).

Conditions:
NAGPA-related disorder. Also called: NAGPA-related condition.

Allele frequency attached by ClinVar (database versions not stated): ESP Exome Variant Server 0.00008; 1000 Genomes Project 30x 0.00031; ExAC 0.00031; 1000 Genomes Project 0.00040.
gnomAD v4.1: 122 of 1,614,234 alleles (0.0076%); highest among the groups gnomAD compares: Admixed American, 0.13%; no homozygotes.

Submission:

PreventionGenetics, part of Exact Sciences
Classification: Likely benign for NAGPA-related condition. Last evaluated: 2019-08-12. Review status: no assertion criteria provided. Collection method: clinical testing. Allele origin: germline.
Comment: This variant is classified as likely benign based on ACMG/AMP sequence variant interpretation guidelines (Richards et al. 2015 PMID: 25741868, with internal and published modifications).